The following is an entry in ClinVar:

NM_213653.4(HJV):c.1102T>C (p.Ser368Pro)

Gene: HJV (hemojuvelin BMP co-receptor; minus strand). Cytogenetic location: 1q21.1.
Variant type: single nucleotide variant.
Coding change: c.1102T>C on transcript NM_213653.4 (MANE Select); coding-DNA position 1102, T replaced by C.
Protein change: p.Ser368Pro; replaces serine 368 with proline.
Molecular consequence: missense variant.
Genome position (GRCh38, 1-based): chr1:146,018,256, A>G on the plus strand (T>C on the coding strand, the complement: HJV is on the minus strand). VCF-style: chr1-146018256-A-G. GRCh37 (hg19) VCF-style: chr1-145416757-T-C.
Other names: c.424T>C, p.Ser142Pro (NM_001316767.2, NM_202004.4, NM_213652.4); c.1102T>C, p.Ser368Pro (NM_001379352.1); c.763T>C, p.Ser255Pro (NM_145277.5); short protein forms S142P, S255P, S368P.
Identifiers: ClinVar variation 4692609 (VCV004692609.1).
Genomic context (GRCh38, chr1:146,018,256, plus strand): 5'-GGAAGGCTCGGGCATCCTCCAGTGCTGCCTGAGCTGCCACGGTAAAGTTGGGATCACCAG[A>G]AATTAAAACATCAAAGACACAGGAATGGAAGTAAGCATCTTCCACTGGAAGCCCTTCCTT-3'
Protein context (NP_998818.1, residues 358-378): FHSCVFDVLI[Ser368Pro]GDPNFTVAAQ

ClinVar aggregate classification (germline): Uncertain significance (1 of 4 stars; one submission).

Submission:

Labcorp Genetics (formerly Invitae), Labcorp
Classification: Uncertain significance. Last evaluated: 2025-06-19. Review status: criteria provided, single submitter. Criteria: Invitae Variant Classification Sherloc (09022015). Collection method: clinical testing. Allele origin: germline.
Comment: This sequence change replaces serine, which is neutral and polar, with proline, which is neutral and non-polar, at codon 368 of the HJV protein (p.Ser368Pro). This variant is not present in population databases (gnomAD no frequency). This variant has not been reported in the literature in individuals affected with HJV-related conditions. Invitae Evidence Modeling of protein sequence and biophysical properties (such as structural, functional, and spatial information, amino acid conservation, physicochemical variation, residue mobility, and thermodynamic stability) indicates that this missense variant is not expected to disrupt HJV protein function with a negative predictive value of 80%. In summary, the available evidence is currently insufficient to determine the role of this variant in disease. Therefore, it has been classified as a Variant of Uncertain Significance.